The following is an entry in ClinVar:

NM_007294.4(BRCA1):c.784del (p.Gln262fs)

Gene: BRCA1 (BRCA1 DNA repair associated; minus strand). Cytogenetic location: 17q21.31.
Variant type: Deletion.
Coding change: c.784del on transcript NM_007294.4 (MANE Select); coding-DNA position 784, one base deleted (C; older notation c.784delC).
Protein change: p.Gln262fs; shifts the reading frame from glutamine 262.
Molecular consequence: frameshift variant. On other transcripts: non-coding transcript variant (1).
Genome position (GRCh38, 1-based): chr17:43,094,747, G deleted on the plus strand (C on the coding strand, the reverse complement: BRCA1 is on the minus strand). VCF-style (leftmost placement, unchanged base first): chr17-43094746-TG-T. GRCh37 (hg19) VCF-style: chr17-41246763-TG-T.
Other names: 903delC; c.571delC, p.Gln191Argfs (NM_001407895.1, NM_001407896.1, NM_001407897.1 and 12 more transcripts); c.574delC, p.Gln192Argfs (NM_001407900.1, NM_001407902.1, NM_001407904.1 and 25 more transcripts); c.661delC, p.Gln221Argfs (NM_001407919.1, NM_001407937.1, NM_001407938.1 and 34 more transcripts); c.520delC, p.Gln174Argfs (NM_001407920.1, NM_001407921.1, NM_001407922.1 and 15 more transcripts); c.517delC, p.Gln173Argfs (NM_001407930.1, NM_001407931.1, NM_001407932.1 and 5 more transcripts); c.658delC, p.Gln220Argfs (NM_001407940.1, NM_001407941.1, NM_001408432.1 and 20 more transcripts); c.643delC, p.Gln215Argfs (NM_001407942.1, NM_001407944.1, NM_001407945.1 and 42 more transcripts); and 17 more; short protein forms Q215fs, Q262fs.
Identifiers: ClinVar variation 266578 (VCV000266578.8), dbSNP rs886040318, ClinGen allele CA10589994.
Genomic context (GRCh38, chr17:43,094,746, plus strand): 5'-GAGCTGGCATGAGTATTTGTGCCACATGGCTCCACATGCAAGTTTGAAACAGAACTACCC[TG>T]ATACTTTTCTGGATGCCTCTCAGCTGCACGCTTCTCAGTGGTGTTCAAATCATTATTACT-3'

ClinVar aggregate classification (germline): Pathogenic. Review status: reviewed by expert panel (3 of 4 stars). 3 submissions from 3 submitters: Pathogenic (1). 2 of the submissions do not count toward it. Last evaluated 2016-10-18.

Conditions:
Breast-ovarian cancer, familial, susceptibility to, 1 (BROVCA1). Also called: BRCA1 Hereditary Breast and Ovarian Cancer; OVARIAN CANCER, SUSCEPTIBILITY TO. Identifiers: Orphanet 145, MedGen C2676676, MONDO:0011450, OMIM 604370. Disease mechanism: loss of function.

Submissions (3):

Evidence-based Network for the Interpretation of Germline Mutant Alleles (ENIGMA)
Classification: Pathogenic for Breast-ovarian cancer, familial, susceptibility to, 1. Last evaluated: 2016-10-18. Review status: reviewed by expert panel. Criteria: ENIGMA BRCA1/2 Classification Criteria (2015). Collection method: curation. Allele origin: germline.
Comment: Variant allele predicted to encode a truncated non-functional protein.

GeneDx
Classification: Pathogenic. Last evaluated: 2017-08-04. Review status: criteria provided, single submitter. Criteria: GeneDx Variant Classification (06012015). Collection method: clinical testing. Allele origin: germline. Affected: yes. Not counted in ClinVar's aggregate classification.
Comment: This deletion of one nucleotide in BRCA1 is denoted c.784delC at the cDNA level and p.Gln262ArgfsX36 (Q262RfsX36) at the protein level. Using alternate nomenclature this variant would be defined as BRCA1 903delC. The normal sequence, with the base that is deleted in braces, is GTAT[C]AGGG. The deletion causes a frameshift which changes a Glutamine to an Arginine at codon 262, and creates a premature stop codon at position 36 of the new reading frame. Although this variant has not, to our knowledge, been reported in the literature, it is predicted to cause loss of normal protein function through either protein truncation or nonsense-mediated mRNA decay. We consider this variant to be pathogenic.

Consortium of Investigators of Modifiers of BRCA1/2 (CIMBA), c/o University of Cambridge
Classification: Pathogenic for Breast-ovarian cancer, familial, susceptibility to, 1. Last evaluated: 2015-10-02. Review status: criteria provided, single submitter. Criteria: CIMBA Mutation Classification guidelines May 2016. Collection method: clinical testing. Allele origin: germline. Not counted in ClinVar's aggregate classification.